The following is an entry in ClinVar:

NM_001194.4(HCN2):c.246C>T (p.Cys82=)

Gene: HCN2 (hyperpolarization activated cyclic nucleotide gated potassium and sodium channel 2; plus strand). Cytogenetic location: 19p13.3.
Variant type: single nucleotide variant.
Coding change: c.246C>T on transcript NM_001194.4 (MANE Select); coding-DNA position 246, C replaced by T.
Protein change: p.Cys82=; no amino-acid change (cysteine 82 retained).
Molecular consequence: synonymous variant.
Genome position (GRCh38, 1-based): chr19:590,191, C>T. VCF-style: chr19-590191-C-T. GRCh37 (hg19) VCF-style: chr19-590191-C-T.
Identifiers: ClinVar variation 402922 (VCV000402922.4), dbSNP rs1060499863, ClinGen allele CA16609779.

ClinVar aggregate classification (germline): Likely benign (1 of 4 stars; one submission).

Allele frequency attached by ClinVar (database versions not stated): gnomAD exomes below 0.00001.

Submission:

Laboratory for Molecular Medicine, Mass General Brigham Personalized Medicine
Classification: Likely benign. Last evaluated: 2016-03-28. Review status: criteria provided, single submitter. Criteria: LMM Criteria. Collection method: clinical testing. Allele origin: germline.
Comment: Variant identified in a genome or exome case(s) and assessed due to predicted null impact of the variant or pathogenic assertions in the literature or databases. Disclaimer: This variant has not undergone full assessment. The following are preliminary notes: Silent variant not near splice site